The following is an entry in ClinVar:

NM_000051.4(ATM):c.2639G>C (p.Gly880Ala)

Gene: ATM (ATM serine/threonine kinase; plus strand). Cytogenetic location: 11q22.3.
Variant type: single nucleotide variant.
Coding change: c.2639G>C on transcript NM_000051.4 (MANE Select); coding-DNA position 2639, G replaced by C.
Protein change: p.Gly880Ala; replaces glycine 880 with alanine.
Molecular consequence: missense variant.
Genome position (GRCh38, 1-based): chr11:108,268,410, G>C. VCF-style: chr11-108268410-G-C. GRCh37 (hg19) VCF-style: chr11-108139137-G-C.
Other names: c.2639G>C, p.Gly880Ala (NM_001351834.2); short protein forms G880A.
Identifiers: ClinVar variation 1513662 (VCV001513662.10), dbSNP rs2135522879, ClinGen allele CA382544973.

ClinVar aggregate classification (germline): Uncertain significance. Review status: criteria provided, multiple submitters, no conflicts (2 of 4 stars). 2 submissions from 2 submitters: Uncertain significance (2). Last evaluated 2022-06-24.

Conditions:
Ataxia-telangiectasia syndrome (AT). Also called: Cerebello-oculocutaneous telangiectasia; Immunodeficiency with ataxia telangiectasia; ATAXIA-TELANGIECTASIA, COMPLEMENTATION GROUP A; ATAXIA-TELANGIECTASIA, FRESNO VARIANT; Ataxia-telangiectasia, complementation group E; LOUIS-BAR SYNDROME. Identifiers: Orphanet 100, MedGen C0004135, MONDO:0008840, OMIM 208900.
Hereditary cancer-predisposing syndrome. Also called: Neoplastic Syndromes, Hereditary; Hereditary Cancer Syndrome; Tumor predisposition; Hereditary neoplastic syndrome. Identifiers: Orphanet 140162, MedGen C0027672, MeSH D009386, MONDO:0015356.

Submissions (2):

Ambry Genetics
Classification: Uncertain significance for Hereditary cancer-predisposing syndrome. Last evaluated: 2022-06-24. Review status: criteria provided, single submitter. Criteria: Ambry Variant Classification Scheme 2023. Collection method: clinical testing. Allele origin: germline.
Comment: The p.G880A variant (also known as c.2639G>C) is located in coding exon 17 of the ATM gene. The glycine at codon 880 is replaced by alanine, an amino acid with similar properties. This change occurs in the first base pair of coding exon 17. This amino acid position is conserved. In addition, the in silico prediction for this alteration is inconclusive. Since supporting evidence is limited at this time, the clinical significance of this alteration remains unclear.

Labcorp Genetics (formerly Invitae), Labcorp
Classification: Uncertain significance for Ataxia-telangiectasia syndrome. Last evaluated: 2020-12-31. Review status: criteria provided, single submitter. Criteria: Invitae Variant Classification Sherloc (09022015). Collection method: clinical testing. Allele origin: germline.
Comment: This sequence change replaces glycine with alanine at codon 880 of the ATM protein (p.Gly880Ala). The glycine residue is highly conserved and there is a small physicochemical difference between glycine and alanine. This variant is not present in population databases (ExAC no frequency). This variant has not been reported in the literature in individuals with ATM-related conditions. Algorithms developed to predict the effect of missense changes on protein structure and function are either unavailable or do not agree on the potential impact of this missense change (SIFT: "Deleterious"; PolyPhen-2: "Benign"; Align-GVGD: "Class C55"). Algorithms developed to predict the effect of sequence changes on RNA splicing suggest that this variant may disrupt the consensus splice site, but this prediction has not been confirmed by published transcriptional studies. In summary, the available evidence is currently insufficient to determine the role of this variant in disease. Therefore, it has been classified as a Variant of Uncertain Significance.